The following is an entry in ClinVar:

ClinVar aggregate classification (germline): Uncertain significance (1 of 4 stars; one submission).

Conditions:
Spastic paraplegia. Identifiers: MedGen C0037772, HP:0001258.

Allele frequency attached by ClinVar (database versions not stated): gnomAD exomes 0.00001 and 0.00003; ExAC 0.00002; ESP Exome Variant Server 0.00008.
gnomAD v4.1: 7 of 1,614,112 alleles (0.00043%); highest among the groups gnomAD compares: Middle Eastern, 0.016%; no homozygotes.

Submission:

Labcorp Genetics (formerly Invitae), Labcorp
Classification: Uncertain significance for Spastic paraplegia. Last evaluated: 2021-07-13. Review status: criteria provided, single submitter. Criteria: Invitae Variant Classification Sherloc (09022015). Collection method: clinical testing. Allele origin: germline.
Comment: This sequence change replaces leucine with proline at codon 2096 of the ZFYVE26 protein (p.Leu2096Pro). The leucine residue is moderately conserved and there is a moderate physicochemical difference between leucine and proline. This variant has not been reported in the literature in individuals affected with ZFYVE26-related conditions. ClinVar contains an entry for this variant (Variation ID: 216692). Algorithms developed to predict the effect of missense changes on protein structure and function output the following: SIFT: "Tolerated"; PolyPhen-2: "Benign"; Align-GVGD: "Class C0". The proline amino acid residue is found in multiple mammalian species, which suggests that this missense change does not adversely affect protein function. In summary, the available evidence is currently insufficient to determine the role of this variant in disease. Therefore, it has been classified as a Variant of Uncertain Significance.

NM_015346.4(ZFYVE26):c.6287T>C (p.Leu2096Pro)

Gene: ZFYVE26 (zinc finger FYVE-type containing 26; minus strand). Cytogenetic location: 14q24.1.
Variant type: single nucleotide variant.
Coding change: c.6287T>C on transcript NM_015346.4 (MANE Select); coding-DNA position 6287, T replaced by C.
Protein change: p.Leu2096Pro; replaces leucine 2096 with proline.
Molecular consequence: missense variant.
Genome position (GRCh38, 1-based): chr14:67,762,285, A>G on the plus strand (T>C on the coding strand, the complement: ZFYVE26 is on the minus strand). VCF-style: chr14-67762285-A-G. GRCh37 (hg19) VCF-style: chr14-68229002-A-G.
Other names: short protein forms L2096P.
Identifiers: ClinVar variation 216692 (VCV000216692.2), dbSNP rs367857763, ClinGen allele CA337020.